The following is an entry in ClinVar:

NM_000206.3(IL2RG):c.595G>T (p.Glu199Ter)

Gene: IL2RG (interleukin 2 receptor subunit gamma; minus strand). Cytogenetic location: Xq13.1.
Variant type: single nucleotide variant.
Coding change: c.595G>T on transcript NM_000206.3 (MANE Select); coding-DNA position 595, G replaced by T.
Protein change: p.Glu199Ter; replaces glutamic acid 199 with a stop codon.
Molecular consequence: nonsense.
Genome position (GRCh38, 1-based): chrX:71,109,390, C>A on the plus strand (G>T on the coding strand, the complement: IL2RG is on the minus strand). VCF-style: chrX-71109390-C-A. GRCh37 (hg19) VCF-style: chrX-70329240-C-A.
Other names: c.595G>T, p.Glu199Ter (NM_001438870.1); short protein forms E199*.
Identifiers: ClinVar variation 4734431 (VCV004734431.1).

ClinVar aggregate classification (germline): Pathogenic (1 of 4 stars; one submission).

Conditions:
X-linked severe combined immunodeficiency (SCIDX1). Also called: IMMUNODEFICIENCY 4; SCID, X-LINKED; SEVERE COMBINED IMMUNODEFICIENCY, X-LINKED, T CELL-NEGATIVE, B CELL-POSITIVE, NK CELL-NEGATIVE; X-Linked Combined Immunodeficiency Diseases; T-B+ severe combined immunodeficiency due to gamma chain deficiency. Identifiers: Orphanet 276, MedGen C6022468, MONDO:0010315, OMIM 300400. Disease mechanism: loss of function.

Submission:

Labcorp Genetics (formerly Invitae), Labcorp
Classification: Pathogenic for X-linked severe combined immunodeficiency. Last evaluated: 2026-01-06. Review status: criteria provided, single submitter. Criteria: Invitae Variant Classification Sherloc (09022015). Collection method: clinical testing. Allele origin: germline.
Comment: This sequence change creates a premature translational stop signal (p.Glu199*) in the IL2RG gene. It is expected to result in an absent or disrupted protein product. Loss-of-function variants in IL2RG are known to be pathogenic (PMID: 9058718, 10794430). This variant is not present in population databases (gnomAD no frequency). This variant has not been reported in the literature in individuals affected with IL2RG-related conditions. Algorithms developed to predict the effect of sequence changes on RNA splicing suggest that this variant may disrupt the consensus splice site. For these reasons, this variant has been classified as Pathogenic.

Literature cited by the submitters: PubMed 9058718; PubMed 10794430.